The following is an entry in ClinVar:

ClinVar aggregate classification (germline): Pathogenic/Likely pathogenic. Review status: criteria provided, multiple submitters, no conflicts (2 of 4 stars). 10 submissions from 10 submitters: Pathogenic (7); Likely pathogenic (2). 1 of the submissions does not count toward it. Last evaluated 2025-04-16.

Conditions:
Pfeiffer syndrome (ACS5). Also called: ACS V. Identifiers: Orphanet 710, MedGen C0220658, MONDO:0007043, OMIM 101600.
Osteoglophonic dysplasia (OGD). Also called: Osteoglophonic dwarfism. Identifiers: Orphanet 2645, MedGen C0432283, MONDO:0008150, OMIM 166250.
Hypogonadotropic hypogonadism 2 with or without anosmia (HH2). Also called: HYPOGONADOTROPIC HYPOGONADISM 2 WITH OR WITHOUT ANOSMIA, SUSCEPTIBILITY TO; HYPOGONADOTROPIC HYPOGONADISM 2 WITHOUT ANOSMIA, SUSCEPTIBILITY TO; HYPOGONADOTROPIC HYPOGONADISM 2 WITHOUT ANOSMIA; FGFR1-Related GnRH Deficiency (Kallmann Syndrome 2). Identifiers: Orphanet 478, MedGen C1563720, MONDO:0007844, OMIM 147950. Disease mechanism: loss of function.
Jackson-Weiss syndrome (JWS). Also called: CRANIOSYNOSTOSIS, MIDFACIAL HYPOPLASIA, AND FOOT ABNORMALITIES. Identifiers: Orphanet 1540, MedGen C0795998, MONDO:0007400, OMIM 123150. Disease mechanism: loss of function.
Hartsfield-Bixler-Demyer syndrome (HRTFDS). Also called: Holoprosencephaly, ectrodactyly, and bilateral cleft lip/palate; FGFR1-Related Hartsfield Syndrome; Hartsfield syndrome. Identifiers: Orphanet 2117, MedGen C1845146, MONDO:0014196, OMIM 615465. Disease mechanism: loss of function.
Encephalocraniocutaneous lipomatosis (ECCL). Identifiers: Orphanet 2396, MedGen C0406612, MONDO:0013074, OMIM 613001.
Trigonocephaly 1 (TRIGNO1). Identifiers: Orphanet 3366, MedGen C0432122, MONDO:0008603, OMIM 190440.
Semilobar holoprosencephaly. Identifiers: Orphanet 220386, MedGen C0751617, MONDO:0700419, HP:0002507, MONDO:0016355.
FGFR1-related disorder. Also called: FGFR1-related disorders; FGFR1-related condition. Identifiers: MedGen CN380097.

Submissions (10):

3billion
Classification: Pathogenic for Hypogonadotropic hypogonadism 2 with or without anosmia. Last evaluated: 2025-04-16. Review status: criteria provided, single submitter. Criteria: ACMG Guidelines, 2015. Collection method: clinical testing. Allele origin: germline. Affected: yes.
Comment: The variant is not observed in the gnomAD v4.1.0 dataset. Predicted Consequence/Location: Canonical splice site: predicted to alter splicing and result in a loss or disruption of normal protein function. Multiple pathogenic loss-of-function variants are reported downstream of the variant. In silico tools predict the variant to alter splicing and produce an abnormal transcript [SpliceAI: 0.99 (spliceogenicity >=0.2, non-spliceogenicity <0.1)]. The variant has been reported at least twice as pathogenic with clinical assertions and evidence for the classification (ClinVar ID: VCV000235087 / PMID: 17154279). Therefore, this variant is classified as Pathogenic according to the recommendation of ACMG/AMP guideline.

Women's Health and Genetics/Laboratory Corporation of America, LabCorp
Classification: Pathogenic for FGFR1-Related Disorders. Last evaluated: 2024-09-17. Review status: criteria provided, single submitter. Criteria: LabCorp Variant Classification Summary - May 2015. Collection method: clinical testing. Allele origin: germline.
Comment: Variant summary: FGFR1 c.1977+1G>A is located in a canonical splice-site and is predicted to affect mRNA splicing resulting in a significantly altered protein due to either exon skipping, shortening, or inclusion of intronic material. Variants that disrupt the consensus splice site are a relatively common cause of aberrant splicing and loss of FGFR1 function. Several computational tools predict a significant impact on normal splicing: Four predict the variant abolishes a 5' splicing donor site. However, these predictions have yet to be confirmed by functional studies. The variant was absent in 249580 control chromosomes. c.1977+1G>A has been reported in the literature in at least three heterozygous individuals affected with Karmann syndfome (also known as Hypogonadotropic hypogonadism 6 with or without anosmia) (Dode_2007, Dubourg_2016, Amato_2019, Acierno_2020, Xu_2023). These data indicate that the variant is likely associated with disease. To our knowledge, no experimental evidence demonstrating an impact on protein function has been reported. The following publications have been ascertained in the context of this evaluation (PMID: 32724172, 31200363, 17154279, 27363716, 37805574). ClinVar contains an entry for this variant (Variation ID: 235087). Based on the evidence outlined above, the variant was classified as pathogenic.

Labcorp Genetics (formerly Invitae), Labcorp
Classification: Pathogenic for Pfeiffer syndrome; Hypogonadotropic hypogonadism 2 with or without anosmia. Last evaluated: 2024-03-10. Review status: criteria provided, single submitter. Criteria: Invitae Variant Classification Sherloc (09022015). Collection method: clinical testing. Allele origin: germline.
Comment: This sequence change affects a donor splice site in intron 14 of the FGFR1 gene. It is expected to disrupt RNA splicing. Variants that disrupt the donor or acceptor splice site typically lead to a loss of protein function (PMID: 16199547), and loss-of-function variants in FGFR1 are known to be pathogenic (PMID: 12627230). This variant is not present in population databases (gnomAD no frequency). Disruption of this splice site has been observed in individuals with Kallmann syndrome (PMID: 17154279, 31200363). This variant is also known as c.2070+1G>A. ClinVar contains an entry for this variant (Variation ID: 235087). Algorithms developed to predict the effect of sequence changes on RNA splicing suggest that this variant may disrupt the consensus splice site. For these reasons, this variant has been classified as Pathogenic.

Neuberg Centre For Genomic Medicine, NCGM
Classification: Pathogenic for Hypogonadotropic hypogonadism 2 with or without anosmia. Last evaluated: 2024-02-01. Review status: criteria provided, single submitter. Criteria: ACMG Guidelines, 2015. Collection method: clinical testing. Allele origin: germline. Inheritance: Autosomal dominant inheritance. Affected: yes.
Comment: The above invariant splice donor has been reported previously in individuals affected with Kallmann syndrome / hypogonadotropic hypogonadism (Dodé C, et al., 2007). This sequence change affects a donor splice site in intron 14 of the FGFR1 gene. Loss of function variants have been previously reported to be disease causing (Dodé C, et al., 2003). For these reasons, this variant has been classified as Pathogenic.

Fulgent Genetics
Classification: Pathogenic for Pfeiffer syndrome; Jackson-Weiss syndrome; Hypogonadotropic hypogonadism 2 with or without anosmia; Osteoglophonic dysplasia; Trigonocephaly 1; Encephalocraniocutaneous lipomatosis; Hartsfield-Bixler-Demyer syndrome. Last evaluated: 2024-01-23. Review status: criteria provided, single submitter. Criteria: ACMG Guidelines, 2015. Collection method: clinical testing. Allele origin: germline.

Reproductive Endocrine Unit, Massachusetts General Hospital
Classification: Likely pathogenic for Hypogonadotropic hypogonadism 2 with or without anosmia. Last evaluated: 2023-05-04. Review status: criteria provided, single submitter. Criteria: ACMG Guidelines, 2015. Collection method: research. Allele origin: unknown. Affected: yes. Observed: 1 variant allele.
Comment: The variant NM_023110.2:c.1977+1G>A, has been classified as LP1 based on the variant meeting the following ACMG Criteria: PVS1,PM2.

Victorian Clinical Genetics Services, Murdoch Childrens Research Institute
Classification: Pathogenic for Hypogonadotropic hypogonadism 2 with or without anosmia. Last evaluated: 2021-05-06. Review status: criteria provided, single submitter. Criteria: ACMG Guidelines, 2015. Collection method: clinical testing. Allele origin: germline. Inheritance: Autosomal dominant inheritance. Affected: yes.
Comment: Based on the classification scheme VCGS_Germline_v1.3.4, this variant is classified as Pathogenic. Following criteria are met: 0103 - Loss of function and gain of function are known mechanisms of disease in this gene and are associated with FGFR1-related disease. Loss of function missense variants and variants predicted to undergo nonsense-mediated decay have been reported to cause Hartsfield syndrome (MIM#615465) and HH2 (MIM#147950). Gain of function missense variants have been reported to cause encephalocraniocutaneous lipomatosis, somatic mosaic (MIM#613001) and osteoglophonic dysplasia (MIM#166250). Additional missense variants have been reported in patients with Jackson-Weiss syndrome (MIM#123150), Pfeiffer syndrome (MIM#101600) or trigonocephaly 1 (MIM#190440) however, the mechanism of these variants is unknown (OMIM, PMID: 18034870, PMID: 23812909, PMID: 26942290). (I) 0107 - This gene is associated with autosomal dominant disease. Biallelic missense variants have been rarely reported in patients with Hartsfield syndrome (PMID: 23812909). (I) 0115 - Variants in this gene are known to have variable expressivity in patients with HH2 (PMID: 18034870). (I) 0211 - Canonical splice site variant without proven consequence on splicing (no functional evidence available). (SP) 0251 - This variant is heterozygous. (I) 0301 - Variant is absent from gnomAD (both v2 and v3). (SP) 0505 - Abnormal splicing is predicted by in silico tools and affected nucleotide is highly conserved. (SP) 0704 - Another splice variant comparable to the one identified in this case has limited previous evidence for pathogenicity. This splice variant (c.1977+4A>T) has been reported as likely pathogenic (ClinVar). (SP) 0801 - This variant has strong previous evidence of pathogenicity in unrelated individuals. This variant has been reported as pathogenic, and observed in multiple patients with hypogonadotropic hypogonadism 2 with or without anosmia (HH2), with one de novo occurrence (ClinVar, LOVD, PMID: 17154279, PMID: 17530415). This variant was also observed in an additional patient with semilobal holoprosencephaly, who was also heterozygous for a missense variant in the FGF8 gene (ClinVar, PMID: 27363716). (SP) 1208 - Inheritance information for this variant is not currently available in this individual. (I) Legend: (SP) - Supporting pathogenic, (I) - Information, (SB) - Supporting benign

GeneDx
Classification: Likely pathogenic. Last evaluated: 2020-12-22. Review status: criteria provided, single submitter. Criteria: GeneDx Variant Classification Process June 2021. Collection method: clinical testing. Allele origin: germline. Affected: yes.
Comment: Canonical splice site variant predicted to result in an in-frame deletion of a critical region, the protein kinase domain; Not observed in large population cohorts (Lek et al., 2016); This variant is associated with the following publications: (PMID: 32724172, 31200363, 18034870, 28807454, 27363716, 17154279, 28927534)

Institute of Human Genetics Munich, TUM University Hospital
Classification: Pathogenic for Hypogonadotropic hypogonadism 2 with or without anosmia. Last evaluated: 2019-12-30. Review status: criteria provided, single submitter. Criteria: Classification criteria August 2017. Collection method: clinical testing. Allele origin: de novo. Inheritance: Autosomal dominant inheritance. Affected: yes. Observed: 1 heterozygote.

Laboratory of Molecular Genetics, CHU Rennes
Classification: Likely pathogenic for semilobar holoprosencephaly. Last evaluated: 2016-04-13. Review status: no assertion criteria provided. Collection method: clinical testing. Allele origin: unknown. Affected: yes. Not counted in ClinVar's aggregate classification.

Literature cited by the submitters: PubMed 17154279 (cited by 4 submitters); PubMed 31200363 (cited by Women's Health and Genetics/Laboratory Corporation of America, LabCorp and Labcorp Genetics (formerly Invitae), Labcorp); PubMed 32724172 (cited by Women's Health and Genetics/Laboratory Corporation of America, LabCorp); PubMed 27363716 (cited by Women's Health and Genetics/Laboratory Corporation of America, LabCorp and Victorian Clinical Genetics Services, Murdoch Childrens Research Institute); PubMed 37805574 (cited by Women's Health and Genetics/Laboratory Corporation of America, LabCorp); PubMed 16199547 (cited by Labcorp Genetics (formerly Invitae), Labcorp); PubMed 12627230 (cited by Labcorp Genetics (formerly Invitae), Labcorp); PubMed 17530415 (cited by Victorian Clinical Genetics Services, Murdoch Childrens Research Institute); PubMed 18034870 (cited by Victorian Clinical Genetics Services, Murdoch Childrens Research Institute); PubMed 23812909 (cited by Victorian Clinical Genetics Services, Murdoch Childrens Research Institute); PubMed 26942290 (cited by Victorian Clinical Genetics Services, Murdoch Childrens Research Institute).

NM_023110.3(FGFR1):c.1977+1G>A

Gene: FGFR1 (fibroblast growth factor receptor 1; minus strand). Cytogenetic location: 8p11.23.
Variant type: single nucleotide variant.
Coding change: c.1977+1G>A on transcript NM_023110.3 (MANE Select); the canonical splice donor site of the intron after coding-DNA position 1977, G replaced by A.
Molecular consequence: splice donor variant.
Genome position (GRCh38, 1-based): chr8:38,414,778, C>T on the plus strand (G>A on the coding strand, the complement: FGFR1 is on the minus strand). VCF-style: chr8-38414778-C-T. GRCh37 (hg19) VCF-style: chr8-38272296-C-T.
Other names: c.1698+1G>A (NM_001354368.2); c.1704+1G>A (NM_001354370.2, NM_023106.3); c.1710+1G>A (NM_023105.3, NM_001174066.2); c.1971+1G>A (NM_001354367.2, NM_015850.4, NM_001174063.2 and 1 more transcripts); c.1947+1G>A (NM_001174064.2); c.1965+1G>A (NM_001354369.2, NM_001410922.1); c.2070+1G>A (NM_001174067.2).
Identifiers: ClinVar variation 235087 (VCV000235087.18), dbSNP rs876661334, ClinGen allele CA10581214.